The following is an entry in ClinVar:

NM_017780.4(CHD7):c.176C>G (p.Thr59Ser)

Gene: CHD7 (chromodomain helicase DNA binding protein 7; plus strand). Cytogenetic location: 8q12.2.
Variant type: single nucleotide variant.
Coding change: c.176C>G on transcript NM_017780.4 (MANE Select); coding-DNA position 176, C replaced by G.
Protein change: p.Thr59Ser; replaces threonine 59 with serine.
Molecular consequence: missense variant.
Genome position (GRCh38, 1-based): chr8:60,741,608, C>G. VCF-style: chr8-60741608-C-G. GRCh37 (hg19) VCF-style: chr8-61654167-C-G.
Other names: c.176C>G, p.Thr59Ser (NM_001316690.1); short protein forms T59S.
Identifiers: ClinVar variation 666671 (VCV000666671.13), dbSNP rs548706525, ClinGen allele CA4759270.
Genomic context (GRCh38, chr8:60,741,608, plus strand): 5'-AGCAAATGCCAATAGACCAAGGCTTTGCCTCTTTACAGCCATCCCTTCATCATCCTTCAA[C>G]TAATCAAAATCAAACAAAGCTGACACATTTTGATCACTATAATCAGTATGAACAACAAAA-3'
Protein context (NP_060250.2, residues 49-69): SLQPSLHHPS[Thr59Ser]NQNQTKLTHF

ClinVar aggregate classification (germline): Benign/Likely benign. Review status: criteria provided, multiple submitters, no conflicts (2 of 4 stars). 2 submissions from 2 submitters: Benign (1); Likely benign (1). Last evaluated 2025-12-09.

Conditions:
CHARGE syndrome (CHARGE). Also called: Coloboma, heart anomaly, choanal atresia, retardation, genital and ear anomalies; CHARGE association; Hall-Hittner syndrome; Hittner Hirsch Kreh syndrome; CHARGE ASSOCIATION--COLOBOMA, HEART ANOMALY, CHOANAL ATRESIA, RETARDATION, GENITAL AND EAR ANOMALIES. Identifiers: Orphanet 138, MedGen C0265354, MONDO:0008965.

Allele frequency attached by ClinVar (database versions not stated): gnomAD exomes below 0.00001 and 0.00002; gnomAD 0.00001 and 0.00002; ExAC 0.00002; TOPMed 0.00003; 1000 Genomes Project 0.00020; 1000 Genomes Project 30x 0.00031.

Submissions (3):

Labcorp Genetics (formerly Invitae), Labcorp
Classification: Benign for CHARGE syndrome. Last evaluated: 2025-12-09. Review status: criteria provided, single submitter. Criteria: Invitae Variant Classification Sherloc (09022015). Collection method: clinical testing. Allele origin: germline.

Laboratory for Molecular Medicine, Mass General Brigham Personalized Medicine
Classification: Likely benign. Last evaluated: 2018-02-10. Review status: criteria provided, single submitter. Criteria: LMM Criteria. Collection method: clinical testing. Allele origin: germline. Observed: 1 variant allele.
Comment: p.Thr59Ser in exon 2 of CHD7: This variant is not expected to have clinical sign ificance because it has been in identified in an individual with hearing loss wh o had an alternate genetic cause for the hearing loss. In addition, computation al analysis and conservation data do not suggest an impact to the protein. The v ariant was also identified in 0.03% (6/23928) of African chromosomes by the Ge nome Aggregation Database (gnomAD; dbSNP rs548 706525). ACMG/AMP criteria applied: BP4; BP5.

Dr. Peter K. Rogan Lab, Western University
No classification provided (evidence only). Condition: Squamous cell lung carcinoma. Review status: no classification provided. Collection method: in vitro. Allele origin: not applicable. Functional consequence: retained intron. Not counted in ClinVar's aggregate classification.